The following is an entry in ClinVar:

NM_182961.4(SYNE1):c.18875A>G (p.Glu6292Gly)

Gene: SYNE1 (spectrin repeat containing nuclear envelope protein 1; minus strand). Cytogenetic location: 6q25.2.
Variant type: single nucleotide variant.
Coding change: c.18875A>G on transcript NM_182961.4 (MANE Select); coding-DNA position 18875, A replaced by G.
Protein change: p.Glu6292Gly; replaces glutamic acid 6292 with glycine.
Molecular consequence: missense variant.
Genome position (GRCh38, 1-based): chr6:152,262,129, T>C on the plus strand (A>G on the coding strand, the complement: SYNE1 is on the minus strand). VCF-style: chr6-152262129-T-C. GRCh37 (hg19) VCF-style: chr6-152583264-T-C.
Other names: c.18662A>G, p.Glu6221Gly (NM_033071.5); short protein forms E6221G, E6292G.
Identifiers: ClinVar variation 3066372 (VCV003066372.1), dbSNP rs2551882490, ClinGen allele CA366090213.

ClinVar aggregate classification (germline): Uncertain significance (1 of 4 stars; one submission).

Conditions:
Emery-Dreifuss muscular dystrophy 4, autosomal dominant (EDMD4). Also called: EMERY-DREIFUSS MUSCULAR DYSTROPHY 4 WITH VARIABLE FEATURES. Identifiers: Orphanet 261, MedGen C2751807, MONDO:0013071, OMIM 612998.

Submission:

MVZ Medizinische Genetik Mainz
Classification: Uncertain significance for Emery-Dreifuss muscular dystrophy 4, autosomal dominant. Last evaluated: 2022-12-14. Review status: criteria provided, single submitter. Criteria: UK Practice Guidelines For Variant Classification V4 01 2020. Collection method: clinical testing. Allele origin: germline. Inheritance: Autosomal dominant inheritance. Affected: yes. Observed: 1 variant allele.
Comment: ACMG Criteria: PM2_SUP, BP4 (ACMG Version 4)